The following is an entry in ClinVar:

ClinVar aggregate classification (germline): Uncertain significance (1 of 4 stars; one submission).

gnomAD v4.1: 9 of 1,613,164 alleles (0.00056%); highest among the groups gnomAD compares: South Asian, 0.0011%; no homozygotes.

Submission:

Labcorp Genetics (formerly Invitae), Labcorp
Classification: Uncertain significance. Last evaluated: 2024-03-20. Review status: criteria provided, single submitter. Criteria: Invitae Variant Classification Sherloc (09022015). Collection method: clinical testing. Allele origin: germline.
Comment: This sequence change replaces threonine, which is neutral and polar, with methionine, which is neutral and non-polar, at codon 807 of the CYFIP2 protein (p.Thr807Met). This variant is present in population databases (rs758052022, gnomAD 0.002%). This variant has not been reported in the literature in individuals affected with CYFIP2-related conditions. Experimental studies and prediction algorithms are not available or were not evaluated, and the functional significance of this variant is currently unknown. In summary, the available evidence is currently insufficient to determine the role of this variant in disease. Therefore, it has been classified as a Variant of Uncertain Significance.

NM_001037333.3(CYFIP2):c.2420C>T (p.Thr807Met)

Gene: CYFIP2 (cytoplasmic FMR1 interacting protein 2; plus strand). Cytogenetic location: 5q33.3.
Variant type: single nucleotide variant.
Coding change: c.2420C>T on transcript NM_001037333.3 (MANE Select); coding-DNA position 2420, C replaced by T.
Protein change: p.Thr807Met; replaces threonine 807 with methionine.
Molecular consequence: missense variant.
Genome position (GRCh38, 1-based): chr5:157,339,091, C>T. VCF-style: chr5-157339091-C-T. GRCh37 (hg19) VCF-style: chr5-156766099-C-T.
Other names: c.2342C>T, p.Thr781Met (NM_001291721.2); c.2495C>T, p.Thr832Met (NM_001291722.2); c.2420C>T, p.Thr807Met (NM_014376.4); short protein forms T832M, T807M, T781M.
Identifiers: ClinVar variation 3673667 (VCV003673667.2).